The following is an entry in ClinVar:

ClinVar aggregate classification (germline): Likely benign (1 of 4 stars; one submission).

Submission:

CeGaT Center for Human Genetics Tuebingen
Classification: Likely benign. Last evaluated: 2024-07-01. Review status: criteria provided, single submitter. Criteria: CeGaT Center For Human Genetics Tuebingen Variant Classification Criteria Version 2. Collection method: clinical testing. Allele origin: germline. Affected: yes. Observed: 1 variant allele.
Comment: BBS1: PM2:Supporting, BP4, BP7

NM_024649.5(BBS1):c.1488C>T (p.Gly496=)

Genes: BBS1 (Bardet-Biedl syndrome 1; plus strand), ZDHHC24 (zDHHC palmitoyltransferase 24; minus strand). Cytogenetic location: 11q13.2.
Variant type: single nucleotide variant.
Coding change: c.1488C>T on transcript NM_024649.5 (MANE Select); coding-DNA position 1488, C replaced by T.
Protein change: p.Gly496=; no amino-acid change (glycine 496 retained).
Molecular consequence: synonymous variant. On other transcripts: intron variant (1).
Genome position (GRCh38, 1-based): chr11:66,530,908, C>T. VCF-style: chr11-66530908-C-T. GRCh37 (hg19) VCF-style: chr11-66298379-C-T.
Other names: c.560-1420G>A (NM_001348571.2).
Identifiers: ClinVar variation 3257532 (VCV003257532.16).